The following is an entry in ClinVar:

ClinVar aggregate classification (germline): Uncertain significance (1 of 4 stars; one submission).

Allele frequency attached by ClinVar (database versions not stated): gnomAD exomes below 0.00001.
gnomAD v4.1: 2 of 1,613,856 alleles (0.00012%); highest among the groups gnomAD compares: Non-Finnish European, 0.00017%; no homozygotes.

Submission:

Laboratory for Molecular Medicine, Mass General Brigham Personalized Medicine
Classification: Uncertain significance. Last evaluated: 2014-01-22. Review status: criteria provided, single submitter. Criteria: LMM Criteria. Collection method: clinical testing. Allele origin: germline. Observed: 1 variant allele.
Comment: The Lys4122Gln variant in TTN has not been previously reported in individuals wi th cardiomyopathy or in large population studies. Computational analyses are lim ited or unavailable for this variant. Additional information is needed to fully assess the clinical significance of the Lys4122Gln variant.

NM_001267550.2(TTN):c.13078A>C (p.Lys4360Gln)

Gene: TTN (titin; minus strand). Cytogenetic location: 2q31.2.
Variant type: single nucleotide variant.
Coding change: c.13078A>C on transcript NM_001267550.2 (MANE Select); coding-DNA position 13078, A replaced by C.
Protein change: p.Lys4360Gln; replaces lysine 4360 with glutamine.
Molecular consequence: missense variant. On other transcripts: intron variant (1).
Genome position (GRCh38, 1-based): chr2:178,740,155, T>G on the plus strand (A>C on the coding strand, the complement: TTN is on the minus strand). VCF-style: chr2-178740155-T-G. GRCh37 (hg19) VCF-style: chr2-179604882-T-G.
Other names: c.12364A>C, p.Lys4122Gln (NM_133432.3); c.12127A>C, p.Lys4043Gln (NM_001256850.1); c.11989A>C, p.Lys3997Gln (NM_003319.4); c.12565A>C, p.Lys4189Gln (NM_133437.4); c.10361-1795A>C (NM_133378.4); short protein forms K4122Q, K4360Q, K3997Q, K4043Q, K4189Q.
Identifiers: ClinVar variation 179498 (VCV000179498.5), dbSNP rs727504903, ClinGen allele CA184543.